The following is an entry in ClinVar:

NM_014491.4(FOXP2):c.*2017G>A

Gene: FOXP2 (forkhead box P2; plus strand). Cytogenetic location: 7q31.1.
Variant type: single nucleotide variant.
Coding change: c.*2017G>A on transcript NM_014491.4 (MANE Select); 2017 bases downstream of the stop codon, G replaced by A.
Molecular consequence: 3 prime UTR variant. On other transcripts: non-coding transcript variant (2).
Genome position (GRCh38, 1-based): chr7:114,691,943, G>A. VCF-style: chr7-114691943-G-A. GRCh37 (hg19) VCF-style: chr7-114331998-G-A.
Other names: c.*2017G>A (NM_001172766.3, NM_148898.4, NM_148900.4).
Identifiers: ClinVar variation 358647 (VCV000358647.5), dbSNP rs75054333, ClinGen allele CA4446446.

ClinVar aggregate classification (germline): Benign (1 of 4 stars; one submission).

Conditions:
Childhood apraxia of speech (SPCH1). Also called: DEVELOPMENTAL VERBAL DYSPRAXIA; Speech language disorder; FOXP2-Related Speech and Language Disorder; SPEECH AND LANGUAGE DISORDER WITH OROFACIAL DYSPRAXIA. Identifiers: Orphanet 209908, MedGen C0750927, MONDO:0011184, OMIM 602081.

Allele frequency attached by ClinVar (database versions not stated): gnomAD 0.00578 and 0.00583; ExAC 0.02293; gnomAD exomes 0.12124.
gnomAD v4.1: 26,183 of 338,916 alleles (7.7%); highest among the groups gnomAD compares: South Asian, 13%; 2 homozygotes.

Submission:

Illumina Laboratory Services, Illumina
Classification: Benign for Childhood apraxia of speech. Last evaluated: 2018-01-13. Review status: criteria provided, single submitter. Criteria: ICSL Variant Classification Criteria 13 December 2019. Collection method: clinical testing. Allele origin: germline.
Comment: This variant was observed in the ICSL laboratory as part of a predisposition screen in an ostensibly healthy population. It had not been previously curated by ICSL or reported in the Human Gene Mutation Database (HGMD: prior to June 1st, 2018), and was therefore a candidate for classification through an automated scoring system. Utilizing variant allele frequency, disease prevalence and penetrance estimates, and inheritance mode, an automated score was calculated to assess if this variant is too frequent to cause the disease. Based on the score and internal cut-off values, a variant classified as benign is not then subjected to further curation. The score for this variant resulted in a classification of benign for this disease.